The following is an entry in ClinVar:

ClinVar aggregate classification (germline): Uncertain significance (1 of 4 stars; one submission).

Conditions:
Generalized epilepsy with febrile seizures plus, type 7 (GEFSP7). Also called: GEFS+, TYPE 7. Identifiers: Orphanet 36387, MedGen C2751778, MONDO:0013470, OMIM 613863.
Neuropathy, hereditary sensory and autonomic, type 2A (HSAN2A). Also called: HSAN IIA; ACROOSTEOLYSIS, GIACCAI TYPE; ACROOSTEOLYSIS, NEUROGENIC; MORVAN DISEASE; NEUROPATHY, CONGENITAL SENSORY; NEUROPATHY, HEREDITARY SENSORY RADICULAR, AUTOSOMAL RECESSIVE. Identifiers: Orphanet 970, MedGen C2752089, MONDO:0024309, OMIM 201300.

Submission:

Labcorp Genetics (formerly Invitae), Labcorp
Classification: Uncertain significance for Neuropathy, hereditary sensory and autonomic, type 2A; Generalized epilepsy with febrile seizures plus, type 7. Last evaluated: 2022-07-25. Review status: criteria provided, single submitter. Criteria: Invitae Variant Classification Sherloc (09022015). Collection method: clinical testing. Allele origin: germline.
Comment: This sequence change replaces valine, which is neutral and non-polar, with leucine, which is neutral and non-polar, at codon 385 of the SCN9A protein (p.Val385Leu). This variant is not present in population databases (gnomAD no frequency). In summary, the available evidence is currently insufficient to determine the role of this variant in disease. Therefore, it has been classified as a Variant of Uncertain Significance. Algorithms developed to predict the effect of missense changes on protein structure and function are either unavailable or do not agree on the potential impact of this missense change (SIFT: "Deleterious"; PolyPhen-2: "Probably Damaging"; Align-GVGD: "Class C0"). This variant has not been reported in the literature in individuals affected with SCN9A-related conditions.

NM_001365536.1(SCN9A):c.1153G>T (p.Val385Leu)

Genes: SCN1A-AS1 (SCN1A and SCN9A antisense RNA 1; plus strand), SCN9A (sodium voltage-gated channel alpha subunit 9; minus strand). Cytogenetic location: 2q24.3.
Variant type: single nucleotide variant.
Coding change: c.1153G>T on transcript NM_001365536.1 (MANE Select); coding-DNA position 1153, G replaced by T.
Protein change: p.Val385Leu; replaces valine 385 with leucine.
Molecular consequence: missense variant.
Genome position (GRCh38, 1-based): chr2:166,288,598, C>A on the plus strand (G>T on the coding strand, the complement: SCN9A is on the minus strand). VCF-style: chr2-166288598-C-A. GRCh37 (hg19) VCF-style: chr2-167145108-C-A.
Other names: c.1153G>T, p.Val385Leu (NM_002977.4); short protein forms V385L.
Identifiers: ClinVar variation 2007773 (VCV002007773.4), dbSNP rs2468048790, ClinGen allele CA349086058.
Genomic context (GRCh38, chr2:166,288,598, plus strand): 5'-ATGCCATGGCAACCACAGCCAGGATCAAGTTTATTAGATAAAAGGAGCCCAGGAAAATCA[C>A]TACGACAAAGAAGATCATGTAGGTTTTGCCAGCAGCACGCAGCGTCTAGGGAAAAATGGA-3'
Protein context (NP_001352465.1, residues 375-395): GKTYMIFFVV[Val385Leu]IFLGSFYLIN